The following is an entry in ClinVar:

ClinVar aggregate classification (germline): Conflicting classifications of pathogenicity. Review status: criteria provided, conflicting classifications (1 of 4 stars). 3 submissions from 3 submitters: Uncertain significance (2); Likely benign (1). Last evaluated 2024-11-01.

Conditions:
NOD2-related disorder. Also called: NOD2-related condition.
Blau syndrome (BLAUS). Also called: ARTHROCUTANEOUVEAL GRANULOMATOSIS; GRANULOMATOSIS, FAMILIAL JUVENILE SYSTEMIC; GRANULOMATOSIS, FAMILIAL, BLAU TYPE; GRANULOMATOUS INFLAMMATORY ARTHRITIS, DERMATITIS, AND UVEITIS, FAMILIAL; JABS SYNDROME. Identifiers: Orphanet 90340, MedGen C5201146, MONDO:0008523, OMIM 186580.
Regional enteritis. Also called: Enteritis, Granulomatous. Identifiers: MedGen C0678202, MeSH D003424.

Allele frequency attached by ClinVar (database versions not stated): gnomAD 0.00001; gnomAD exomes 0.00001; ExAC 0.00002; TOPMed 0.00003; ESP Exome Variant Server 0.00008.

Submissions (3):

CeGaT Center for Human Genetics Tuebingen
Classification: Likely benign. Last evaluated: 2024-11-01. Review status: criteria provided, single submitter. Criteria: CeGaT Center For Human Genetics Tuebingen Variant Classification Criteria Version 2. Collection method: clinical testing. Allele origin: germline. Affected: yes. Observed: 1 variant allele.
Comment: NOD2: PM5, BP4, BS2

PreventionGenetics, part of Exact Sciences
Classification: Uncertain significance for NOD2-related condition. Last evaluated: 2023-08-14. Review status: criteria provided, single submitter. Criteria: ACMG Guidelines, 2015. Collection method: clinical testing. Allele origin: germline.
Comment: The NOD2 c.3029A>G variant is predicted to result in the amino acid substitution p.Asn1010Ser. To our knowledge, this variant has not been reported in individuals with NOD2-related condition. Functional studies did not provide clear evidence if the p.Asn1010Ser substitution could lead malfunction of the protein (Tanabe et al. PubMed ID:15044951). This variant is reported in 0.011% of alleles in individuals of East Asian descent in gnomAD. A different substitution affecting the same amino acid (p.Asn1010Lys) was reported in one family with multiple individuals affected with Crohn’s Disease (Frade-Proud'Hon-Clerc et al. 2019. PubMed ID: 30769939). At this time, the clinical significance of this variant is uncertain due to the absence of conclusive functional and genetic evidence.

Labcorp Genetics (formerly Invitae), Labcorp
Classification: Uncertain significance for Regional enteritis; Blau syndrome. Last evaluated: 2022-10-02. Review status: criteria provided, single submitter. Criteria: Invitae Variant Classification Sherloc (09022015). Collection method: clinical testing. Allele origin: germline.
Comment: This variant is present in population databases (rs367905706, gnomAD 0.006%). In summary, the available evidence is currently insufficient to determine the role of this variant in disease. Therefore, it has been classified as a Variant of Uncertain Significance. Experimental studies are conflicting or provide insufficient evidence to determine the effect of this variant on NOD2 function (PMID: 15044951). Advanced modeling of protein sequence and biophysical properties (such as structural, functional, and spatial information, amino acid conservation, physicochemical variation, residue mobility, and thermodynamic stability) performed at Invitae indicates that this missense variant is not expected to disrupt NOD2 protein function. This variant has not been reported in the literature in individuals affected with NOD2-related conditions. This sequence change replaces asparagine, which is neutral and polar, with serine, which is neutral and polar, at codon 1010 of the NOD2 protein (p.Asn1010Ser).

Literature cited by the submitters: PubMed 15044951 (cited by Labcorp Genetics (formerly Invitae), Labcorp).

NM_001370466.1(NOD2):c.2948A>G (p.Asn983Ser)

Genes: CYLD-AS1 (CYLD antisense RNA 1; minus strand), NOD2 (nucleotide binding oligomerization domain containing 2; plus strand). Cytogenetic location: 16q12.1.
Variant type: single nucleotide variant.
Coding change: c.2948A>G on transcript NM_001370466.1 (MANE Select); coding-DNA position 2948, A replaced by G.
Protein change: p.Asn983Ser; replaces asparagine 983 with serine.
Molecular consequence: missense variant. On other transcripts: non-coding transcript variant (1).
Genome position (GRCh38, 1-based): chr16:50,729,880, A>G. VCF-style: chr16-50729880-A-G. GRCh37 (hg19) VCF-style: chr16-50763791-A-G.
Other names: c.2948A>G, p.Asn983Ser (NM_001293557.2); c.3029A>G, p.Asn1010Ser (NM_022162.3); c.3029A>G (NM_022162.2); short protein forms N1010S, N983S.
Identifiers: ClinVar variation 2170482 (VCV002170482.19), dbSNP rs367905706, ClinGen allele CA8052050.